The following is an entry in ClinVar:

ClinVar aggregate classification (germline): Likely benign. Review status: criteria provided, multiple submitters, no conflicts (2 of 4 stars). 2 submissions from 2 submitters: Likely benign (2). Last evaluated 2025-08-26.

Conditions:
Arrhythmogenic cardiomyopathy with wooly hair and keratoderma. Also called: PALMOPLANTAR KERATODERMA WITH LEFT VENTRICULAR CARDIOMYOPATHY AND WOOLLY HAIR; Carvajal syndrome; Dilated cardiomyopathy with woolly hair and keratoderma; Arrhythmogenic cardiomyopathy with woolly hair and keratoderma. Identifiers: Orphanet 65282, MedGen C1854063, MONDO:0011581, OMIM 605676.
Arrhythmogenic right ventricular dysplasia 8 (ARVD8). Also called: Arrhythmogenic Right Ventricular Dysplasia/Cardiomyopathy 8; ARRHYTHMOGENIC RIGHT VENTRICULAR DYSPLASIA, FAMILIAL, 8; ARRHYTHMOGENIC RIGHT VENTRICULAR CARDIOMYOPATHY 8. Identifiers: MedGen C1843896, MONDO:0011831, OMIM 607450.

Submissions (2):

Labcorp Genetics (formerly Invitae), Labcorp
Classification: Likely benign for Arrhythmogenic cardiomyopathy with wooly hair and keratoderma; Arrhythmogenic right ventricular dysplasia 8. Last evaluated: 2025-08-26. Review status: criteria provided, single submitter. Criteria: Invitae Variant Classification Sherloc (09022015). Collection method: clinical testing. Allele origin: germline.

CeGaT Center for Human Genetics Tuebingen
Classification: Likely benign. Last evaluated: 2024-10-01. Review status: criteria provided, single submitter. Criteria: CeGaT Center For Human Genetics Tuebingen Variant Classification Criteria Version 2. Collection method: clinical testing. Allele origin: germline. Affected: yes. Observed: 1 variant allele.
Comment: DSP: BP4, BP7

NM_004415.4(DSP):c.2385A>G (p.Glu795=)

Gene: DSP (desmoplakin; plus strand). Cytogenetic location: 6p24.3.
Variant type: single nucleotide variant.
Coding change: c.2385A>G on transcript NM_004415.4 (MANE Select); coding-DNA position 2385, A replaced by G.
Protein change: p.Glu795=; no amino-acid change (glutamic acid 795 retained).
Molecular consequence: synonymous variant.
Genome position (GRCh38, 1-based): chr6:7,574,744, A>G. VCF-style: chr6-7574744-A-G. GRCh37 (hg19) VCF-style: chr6-7574977-A-G.
Other names: c.2385A>G, p.Glu795= (NM_001008844.3, NM_001319034.2).
Identifiers: ClinVar variation 3389068 (VCV003389068.16).